The following is an entry in ClinVar:

ClinVar aggregate classification (germline): Uncertain significance (1 of 4 stars; one submission).

Allele frequency attached by ClinVar (database versions not stated): gnomAD exomes below 0.00001.
gnomAD v4.1: 2 of 1,576,376 alleles (0.00013%); highest among the groups gnomAD compares: Admixed American, 0.0017%; no homozygotes.

Submission:

Labcorp Genetics (formerly Invitae), Labcorp
Classification: Uncertain significance. Last evaluated: 2022-05-25. Review status: criteria provided, single submitter. Criteria: Invitae Variant Classification Sherloc (09022015). Collection method: clinical testing. Allele origin: germline.
Comment: This sequence change falls in intron 2 of the PHYH gene. It does not directly change the encoded amino acid sequence of the PHYH protein. It affects a nucleotide within the consensus splice site. This variant is present in population databases (no rsID available, gnomAD 0.003%). This variant has not been reported in the literature in individuals affected with PHYH-related conditions. Variants that disrupt the consensus splice site are a relatively common cause of aberrant splicing (PMID: 17576681, 9536098). Algorithms developed to predict the effect of sequence changes on RNA splicing suggest that this variant may disrupt the consensus splice site. In summary, the available evidence is currently insufficient to determine the role of this variant in disease. Therefore, it has been classified as a Variant of Uncertain Significance.

Literature cited by the submitters: PubMed 17576681; PubMed 9536098.

NM_006214.4(PHYH):c.134+6T>C

Gene: PHYH (phytanoyl-CoA 2-hydroxylase; minus strand). Cytogenetic location: 10p13.
Variant type: single nucleotide variant.
Coding change: c.134+6T>C on transcript NM_006214.4 (MANE Select); 6 bases into the intron after coding-DNA position 134, T replaced by C.
Molecular consequence: intron variant.
Genome position (GRCh38, 1-based): chr10:13,298,181, A>G on the plus strand (T>C on the coding strand, the complement: PHYH is on the minus strand). VCF-style: chr10-13298181-A-G. GRCh37 (hg19) VCF-style: chr10-13340181-A-G.
Other names: c.134+6T>C (NM_001323083.2, NM_001323082.2); c.-167+1239T>C (NM_001037537.2, NM_001323084.2); c.-167+6T>C (NM_001323080.2).
Identifiers: ClinVar variation 1511604 (VCV001511604.3), dbSNP rs1047121361, ClinGen allele CA203285228.
Genomic context (GRCh38, chr10:13,298,181, plus strand): 5'-TTCATTACCACTCAAGAAACTTTTATATACATAATATATTTCAAAATCAAAACTCAAACT[A>G]CTTACTGGAATTGTTGAGGATGGAAACTGGCAGAGGAAATAGTCCCTGAAGTGGGATGAG-3'